The following is an entry in ClinVar:

NM_020937.4(FANCM):c.3525G>T (p.Gln1175His)

Gene: FANCM (FA complementation group M; plus strand). Cytogenetic location: 14q21.2.
Variant type: single nucleotide variant.
Coding change: c.3525G>T on transcript NM_020937.4 (MANE Select); coding-DNA position 3525, G replaced by T.
Protein change: p.Gln1175His; replaces glutamine 1175 with histidine.
Molecular consequence: missense variant.
Genome position (GRCh38, 1-based): chr14:45,176,279, G>T. VCF-style: chr14-45176279-G-T. GRCh37 (hg19) VCF-style: chr14-45645482-G-T.
Other names: c.3447G>T, p.Gln1149His (NM_001308133.2); c.3525G>T (LRG_502t1); short protein forms Q1175H, Q1149H.
Identifiers: ClinVar variation 647852 (VCV000647852.13), dbSNP rs761300333, ClinGen allele CA7169527.
Genomic context (GRCh38, chr14:45,176,279, plus strand): 5'-AAGCGAATCTTTACCTGTGTCAGACAAAACTGCTATTAGTGAAACGCCTCTGGTCTCTCA[G>T]TTCTTAATTTCTGATGAACTTTTGTTGGACAATAATTCTGAACTCCAAGATCAAATCACC-3'
Protein context (NP_065988.1, residues 1165-1185): TAISETPLVS[Gln1175His]FLISDELLLD

ClinVar aggregate classification (germline): Uncertain significance. Review status: criteria provided, multiple submitters, no conflicts (2 of 4 stars). 4 submissions from 4 submitters: Uncertain significance (4). Last evaluated 2025-08-13.

Conditions:
Fanconi anemia (FA). Also called: Fanconi's anemia. Identifiers: Orphanet 84, MedGen C0015625, MeSH D005199, MONDO:0019391.
Spermatogenic failure 28. Identifiers: MedGen C4748117, MONDO:0054732, OMIM 618086.
Premature ovarian failure 15. Identifiers: MedGen C4748170, MONDO:0054862, OMIM 618096.
Inborn genetic diseases. Identifiers: MedGen C0950123, MeSH D030342.

Allele frequency attached by ClinVar (database versions not stated): TOPMed 0.00011.
gnomAD v4.1: 45 of 1,613,924 alleles (0.0028%); highest among the groups gnomAD compares: East Asian, 0.047%; no homozygotes.

Submissions (4):

Labcorp Genetics (formerly Invitae), Labcorp
Classification: Uncertain significance for Fanconi anemia. Last evaluated: 2025-08-13. Review status: criteria provided, single submitter. Criteria: Invitae Variant Classification Sherloc (09022015). Collection method: clinical testing. Allele origin: germline.
Comment: This sequence change replaces glutamine, which is neutral and polar, with histidine, which is basic and polar, at codon 1175 of the FANCM protein (p.Gln1175His). This variant is present in population databases (rs761300333, gnomAD 0.1%). This variant has not been reported in the literature in individuals affected with FANCM-related conditions. ClinVar contains an entry for this variant (Variation ID: 647852). An algorithm developed to predict the effect of missense changes on protein structure and function outputs the following: PolyPhen-2: "Benign". The histidine amino acid residue is found in multiple mammalian species, which suggests that this missense change does not adversely affect protein function. In summary, the available evidence is currently insufficient to determine the role of this variant in disease. Therefore, it has been classified as a Variant of Uncertain Significance.

Ambry Genetics
Classification: Uncertain significance for Inborn genetic diseases. Last evaluated: 2024-11-21. Review status: criteria provided, single submitter. Criteria: Ambry Variant Classification Scheme 2023. Collection method: clinical testing. Allele origin: germline.
Comment: The p.Q1175H variant (also known as c.3525G>T), located in coding exon 14 of the FANCM gene, results from a G to T substitution at nucleotide position 3525. The glutamine at codon 1175 is replaced by histidine, an amino acid with highly similar properties. This amino acid position is conserved. In addition, this alteration is predicted to be tolerated by in silico analysis. Based on the available evidence, the clinical significance of this variant remains unclear.

Fulgent Genetics
Classification: Uncertain significance for Spermatogenic failure 28; Premature ovarian failure 15. Last evaluated: 2024-03-01. Review status: criteria provided, single submitter. Criteria: ACMG Guidelines, 2015. Collection method: clinical testing. Allele origin: germline.

GeneDx
Classification: Uncertain significance. Last evaluated: 2022-12-29. Review status: criteria provided, single submitter. Criteria: GeneDx Variant Classification Process June 2021. Collection method: clinical testing. Allele origin: germline. Affected: yes.
Comment: In silico analysis supports that this missense variant does not alter protein structure/function; Has not been previously published as pathogenic or benign to our knowledge